The following is an entry in ClinVar:

NM_198576.4(AGRN):c.4966C>A (p.Arg1656=)

Gene: AGRN (agrin; plus strand). Cytogenetic location: 1p36.33.
Variant type: single nucleotide variant.
Coding change: c.4966C>A on transcript NM_198576.4 (MANE Select); coding-DNA position 4966, C replaced by A.
Protein change: p.Arg1656=; no amino-acid change (arginine 1656 retained).
Molecular consequence: synonymous variant.
Genome position (GRCh38, 1-based): chr1:1,050,319, C>A. VCF-style: chr1-1050319-C-A. GRCh37 (hg19) VCF-style: chr1-985699-C-A.
Other names: c.4966C>A, p.Arg1656= (NM_001305275.2); c.4651C>A, p.Arg1551= (NM_001364727.2).
Identifiers: ClinVar variation 541172 (VCV000541172.12), dbSNP rs145111679, ClinGen allele CA509780.

ClinVar aggregate classification (germline): Likely benign. Review status: criteria provided, multiple submitters, no conflicts (2 of 4 stars). 2 submissions from 2 submitters: Likely benign (2). Last evaluated 2025-10-29.

Conditions:
Congenital myasthenic syndrome 8. Also called: MYASTHENIC SYNDROME, CONGENITAL, DUE TO AGRIN DEFICIENCY; Myasthenic syndrome, congenital, 8, with pre- and postsynaptic defects. Identifiers: Orphanet 590, MedGen C3808739, MONDO:0014052, OMIM 615120.

Allele frequency attached by ClinVar (database versions not stated): TOPMed 0.00008; 1000 Genomes Project 0.00040; 1000 Genomes Project 30x 0.00062.
gnomAD v4.1: 35 of 1,612,834 alleles (0.0022%); highest among the groups gnomAD compares: African/African-American, 0.035%; no homozygotes.

Submissions (2):

Women's Health and Genetics/Laboratory Corporation of America, LabCorp
Classification: Likely benign. Last evaluated: 2025-10-29. Review status: criteria provided, single submitter. Criteria: LabCorp Variant Classification Summary - May 2015. Collection method: clinical testing. Allele origin: germline.
Comment: Variant summary: AGRN c.4966C>A results in a synonymous change. Consensus agreement among computation tools predict no significant impact on normal splicing. However, these predictions have yet to be confirmed by functional studies. The variant allele was found at a frequency of 4.8e-05 in 248904 control chromosomes. This frequency is not significantly higher than estimated for disease-causing variants in AGRN, allowing no conclusion about variant significance. To our knowledge, no occurrence of c.4966C>A in individuals affected with AGRN-related conditions and no experimental evidence demonstrating its impact on protein function have been reported. ClinVar contains an entry for this variant (Variation ID: 541172). Based on the evidence outlined above, the variant was classified as likely benign.

Labcorp Genetics (formerly Invitae), Labcorp
Classification: Likely benign for Congenital myasthenic syndrome 8. Last evaluated: 2023-09-27. Review status: criteria provided, single submitter. Criteria: Invitae Variant Classification Sherloc (09022015). Collection method: clinical testing. Allele origin: germline.